The following is an entry in ClinVar:

NM_006904.7(PRKDC):c.1961T>C (p.Ile654Thr)

Gene: PRKDC (protein kinase, DNA-activated, catalytic subunit; minus strand). Cytogenetic location: 8q11.21.
Variant type: single nucleotide variant.
Coding change: c.1961T>C on transcript NM_006904.7 (MANE Select); coding-DNA position 1961, T replaced by C.
Protein change: p.Ile654Thr; replaces isoleucine 654 with threonine.
Molecular consequence: missense variant.
Genome position (GRCh38, 1-based): chr8:47,929,944, A>G on the plus strand (T>C on the coding strand, the complement: PRKDC is on the minus strand). VCF-style: chr8-47929944-A-G. GRCh37 (hg19) VCF-style: chr8-48842504-A-G.
Other names: c.1961T>C, p.Ile654Thr (NM_001081640.2); short protein forms I654T.
Identifiers: ClinVar variation 1783449 (VCV001783449.2), dbSNP rs777201632, ClinGen allele CA4741586.

ClinVar aggregate classification (germline): Uncertain significance (1 of 4 stars; one submission).

Allele frequency attached by ClinVar (database versions not stated): ExAC 0.00001; gnomAD exomes 0.00001.
gnomAD v4.1: 4 of 1,611,262 alleles (0.00025%); highest among the groups gnomAD compares: Non-Finnish European, 0.00034%; no homozygotes.

Submission:

Ambry Genetics
Classification: Uncertain significance. Last evaluated: 2021-07-09. Review status: criteria provided, single submitter. Criteria: Ambry Variant Classification Scheme 2023. Collection method: clinical testing. Allele origin: germline.
Comment: The p.I654T variant (also known as c.1961T>C), located in coding exon 18 of the PRKDC gene, results from a T to C substitution at nucleotide position 1961. The isoleucine at codon 654 is replaced by threonine, an amino acid with similar properties. This amino acid position is conserved. In addition, the in silico prediction for this alteration is inconclusive. Since supporting evidence is limited at this time, the clinical significance of this alteration remains unclear.